The following is an entry in ClinVar:

ClinVar aggregate classification (germline): Benign. Review status: criteria provided, single submitter (1 of 4 stars). 2 submissions from 2 submitters: Benign (1). 1 of the submissions does not count toward it. Last evaluated 2019-12-31.

Conditions:
XIRP1-related disorder. Also called: XIRP1-related condition.

Allele frequency attached by ClinVar (database versions not stated): gnomAD exomes 0.00147 and 0.00388; ExAC 0.00486; gnomAD 0.01319; ESP Exome Variant Server 0.01384; TOPMed 0.01478; 1000 Genomes Project 30x 0.01811; 1000 Genomes Project 0.01857.

Submissions (2):

Labcorp Genetics (formerly Invitae), Labcorp
Classification: Benign. Last evaluated: 2019-12-31. Review status: criteria provided, single submitter. Criteria: Invitae Variant Classification Sherloc (09022015). Collection method: clinical testing. Allele origin: germline.

PreventionGenetics, part of Exact Sciences
Classification: Benign for XIRP1-related condition. Last evaluated: 2019-02-19. Review status: no assertion criteria provided. Collection method: clinical testing. Allele origin: germline. Not counted in ClinVar's aggregate classification.
Comment: This variant is classified as benign based on ACMG/AMP sequence variant interpretation guidelines (Richards et al. 2015 PMID: 25741868, with internal and published modifications).

NM_194293.4(XIRP1):c.4061C>T (p.Ser1354Leu)

Gene: XIRP1 (xin actin binding repeat containing 1; minus strand). Cytogenetic location: 3p22.2.
Variant type: single nucleotide variant.
Coding change: c.4061C>T on transcript NM_194293.4 (MANE Select); coding-DNA position 4061, C replaced by T.
Protein change: p.Ser1354Leu; replaces serine 1354 with leucine.
Molecular consequence: missense variant. On other transcripts: 3 prime UTR variant (1).
Genome position (GRCh38, 1-based): chr3:39,185,385, G>A on the plus strand (C>T on the coding strand, the complement: XIRP1 is on the minus strand). VCF-style: chr3-39185385-G-A. GRCh37 (hg19) VCF-style: chr3-39226876-G-A.
Other names: c.*268C>T (NM_001198621.4); c.110C>T, p.Ser37Leu (NM_001351377.2); short protein forms S1354L, S37L.
Identifiers: ClinVar variation 767895 (VCV000767895.6), dbSNP rs61736127, ClinGen allele CA2325923.